The following is an entry in ClinVar:

NM_002474.3(MYH11):c.4654G>C (p.Glu1552Gln)

Genes: MYH11 (myosin heavy chain 11; minus strand), NDE1 (nudE neurodevelopment protein 1; plus strand). Cytogenetic location: 16p13.11.
Variant type: single nucleotide variant.
Coding change: c.4654G>C on transcript NM_002474.3 (MANE Select); coding-DNA position 4654, G replaced by C.
Protein change: p.Glu1552Gln; replaces glutamic acid 1552 with glutamine.
Molecular consequence: missense variant. On other transcripts: intron variant (2).
Genome position (GRCh38, 1-based): chr16:15,720,976, C>G on the plus strand (G>C on the coding strand, the complement: MYH11 is on the minus strand). VCF-style: chr16-15720976-C-G. GRCh37 (hg19) VCF-style: chr16-15814833-C-G.
Other names: c.4675G>C, p.Glu1559Gln (NM_001040113.2, NM_001040114.2); c.948-3215C>G (NM_001143979.2, NM_017668.3); c.4654G>C, p.Glu1552Gln (NM_022844.3); short protein forms E1552Q, E1559Q.
Identifiers: ClinVar variation 3074114 (VCV003074114.1), dbSNP rs2040440320, ClinGen allele CA394854268.

ClinVar aggregate classification (germline): Uncertain significance (1 of 4 stars; one submission).

Conditions:
Familial thoracic aortic aneurysm and aortic dissection (TAAD). Also called: Thoracic aortic aneurysms and dissections. Identifiers: Orphanet 91387, MedGen C4707243, MONDO:0019625.

Allele frequency attached by ClinVar (database versions not stated): gnomAD exomes below 0.00001.
gnomAD v4.1: 4 of 1,614,134 alleles (0.00025%); highest among the groups gnomAD compares: South Asian, 0.0011%; no homozygotes.

Submission:

All of Us Research Program, National Institutes of Health
Classification: Uncertain significance for Familial thoracic aortic aneurysm and aortic dissection. Last evaluated: 2023-10-23. Review status: criteria provided, single submitter. Criteria: ACMG Guidelines, 2015. Collection method: clinical testing. Allele origin: germline. Inheritance: Autosomal dominant inheritance. Observed: 1 variant allele, 1 heterozygote.
Comment: This missense variant replaces glutamic acid with glutamine at codon 1559 of the MYH11 protein. Computational prediction suggests that this variant may have deleterious impact on protein structure and function (internally defined REVEL score threshold >= 0.7, PMID: 27666373). To our knowledge, functional studies have not been reported for this variant. This variant has not been reported in individuals affected with MYH11-related disorders in the literature. This variant has not been identified in the general population by the Genome Aggregation Database (gnomAD). The available evidence is insufficient to determine the role of this variant in disease conclusively. Therefore, this variant is classified as a Variant of Uncertain Significance.

This study involves interpretation of variants in research participants for the purpose of population health screening. Participant phenotype was not available at the time of variant classification. Additional details can be found in publication PMID: 35346344, PMCID: PMC8962531